The following is an entry in ClinVar:

NM_002691.4(POLD1):c.682G>T (p.Glu228Ter)

Gene: POLD1 (DNA polymerase delta 1, catalytic subunit; plus strand). Cytogenetic location: 19q13.33.
Variant type: single nucleotide variant.
Coding change: c.682G>T on transcript NM_002691.4 (MANE Select); coding-DNA position 682, G replaced by T.
Protein change: p.Glu228Ter; replaces glutamic acid 228 with a stop codon.
Molecular consequence: nonsense. On other transcripts: non-coding transcript variant (1).
Genome position (GRCh38, 1-based): chr19:50,402,297, G>T. VCF-style: chr19-50402297-G-T. GRCh37 (hg19) VCF-style: chr19-50905554-G-T.
Other names: c.682G>T, p.Glu228Ter (NM_001256849.1, NM_001308632.1); short protein forms E228*.
Identifiers: ClinVar variation 1469496 (VCV001469496.8), dbSNP rs1184569102, ClinGen allele CA406974326.

ClinVar aggregate classification (germline): Uncertain significance (1 of 4 stars; one submission).

Conditions:
POLD1-related polyposis and colorectal cancer syndrome (CRCS10). Also called: Colorectal cancer 10; COLORECTAL CANCER, SUSCEPTIBILITY TO, ON CHROMOSOME 19q; Colorectal cancer, susceptibility to, 10. Identifiers: Orphanet 220460, MedGen C2675481, MONDO:0012953, OMIM 612591.

Allele frequency attached by ClinVar (database versions not stated): gnomAD exomes below 0.00001.
gnomAD v4.1: 1 of 1,610,814 alleles (0.000062%); highest among the groups gnomAD compares: Non-Finnish European, 0.000085%; no homozygotes.

Submission:

Labcorp Genetics (formerly Invitae), Labcorp
Classification: Uncertain significance for POLD1-related polyposis and colorectal cancer syndrome. Last evaluated: 2023-11-22. Review status: criteria provided, single submitter. Criteria: Invitae Variant Classification Sherloc (09022015). Collection method: clinical testing. Allele origin: germline.
Comment: This sequence change creates a premature translational stop signal (p.Glu228*) in the POLD1 gene. Missense variants that disrupt the 3'-5' exonuclease (proof-reading) activity of the POLD1 protein are associated with PPAP (polymerase proofreading–associated polyposis) (PMID: 23263490, 23447401). However, loss-of-function variants that result in an absent or severely disrupted POLD1 protein, and missense variants outside the exonuclease domain, are unlikely to be associated with PPAP. This variant is not present in population databases (gnomAD no frequency). This variant has not been reported in the literature in individuals affected with POLD1-related conditions. ClinVar contains an entry for this variant (Variation ID: 1469496). In summary, the available evidence is currently insufficient to determine the role of this variant in disease. Therefore, it has been classified as a Variant of Uncertain Significance.

Literature cited by the submitters: PubMed 23263490; PubMed 23447401.